The following is an entry in ClinVar:

NM_017780.4(CHD7):c.8864G>A (p.Gly2955Asp)

Gene: CHD7 (chromodomain helicase DNA binding protein 7; plus strand). Cytogenetic location: 8q12.2.
Variant type: single nucleotide variant.
Coding change: c.8864G>A on transcript NM_017780.4 (MANE Select); coding-DNA position 8864, G replaced by A.
Protein change: p.Gly2955Asp; replaces glycine 2955 with aspartic acid.
Molecular consequence: missense variant.
Genome position (GRCh38, 1-based): chr8:60,865,803, G>A. VCF-style: chr8-60865803-G-A. GRCh37 (hg19) VCF-style: chr8-61778362-G-A.
Other names: c.2717G>A, p.Gly906Asp (NM_001316690.1); short protein forms G906D, G2955D.
Identifiers: ClinVar variation 3713752 (VCV003713752.2).

ClinVar aggregate classification (germline): Uncertain significance (1 of 4 stars; one submission).

Conditions:
CHARGE syndrome (CHARGE). Also called: Hittner Hirsch Kreh syndrome; CHARGE ASSOCIATION--COLOBOMA, HEART ANOMALY, CHOANAL ATRESIA, RETARDATION, GENITAL AND EAR ANOMALIES; Coloboma, heart anomaly, choanal atresia, retardation, genital and ear anomalies; CHARGE association; Hall-Hittner syndrome. Identifiers: Orphanet 138, MedGen C0265354, MONDO:0008965.

gnomAD v4.1: 1 of 1,614,020 alleles (0.000062%); no homozygotes.

Submission:

Labcorp Genetics (formerly Invitae), Labcorp
Classification: Uncertain significance for CHARGE syndrome. Last evaluated: 2024-06-06. Review status: criteria provided, single submitter. Criteria: Invitae Variant Classification Sherloc (09022015). Collection method: clinical testing. Allele origin: germline.
Comment: This sequence change replaces glycine, which is neutral and non-polar, with aspartic acid, which is acidic and polar, at codon 2955 of the CHD7 protein (p.Gly2955Asp). This variant is not present in population databases (gnomAD no frequency). This variant has not been reported in the literature in individuals affected with CHD7-related conditions. Advanced modeling of protein sequence and biophysical properties (such as structural, functional, and spatial information, amino acid conservation, physicochemical variation, residue mobility, and thermodynamic stability) performed at Invitae indicates that this missense variant is not expected to disrupt CHD7 protein function with a negative predictive value of 95%. In summary, the available evidence is currently insufficient to determine the role of this variant in disease. Therefore, it has been classified as a Variant of Uncertain Significance.